The following is an entry in ClinVar:

ClinVar aggregate classification (germline): Uncertain significance (1 of 4 stars; one submission).

Submission:

Labcorp Genetics (formerly Invitae), Labcorp
Classification: Uncertain significance. Last evaluated: 2025-03-16. Review status: criteria provided, single submitter. Criteria: Invitae Variant Classification Sherloc (09022015). Collection method: clinical testing. Allele origin: germline.
Comment: This sequence change creates a premature translational stop signal (p.Glu31*) in the SAMD9L gene. While this is not anticipated to result in nonsense mediated decay, it is expected to disrupt the last 1554 amino acid(s) of the SAMD9L protein. This variant is not present in population databases (gnomAD no frequency). This variant has not been reported in the literature in individuals affected with SAMD9L-related conditions. Experimental studies and prediction algorithms are not available or were not evaluated, and the functional significance of this variant is currently unknown. In summary, the available evidence is currently insufficient to determine the role of this variant in disease. Therefore, it has been classified as a Variant of Uncertain Significance.

NM_152703.5(SAMD9L):c.91G>T (p.Glu31Ter)

Gene: SAMD9L (sterile alpha motif domain containing 9 like; minus strand). Cytogenetic location: 7q21.2.
Variant type: single nucleotide variant.
Coding change: c.91G>T on transcript NM_152703.5 (MANE Select); coding-DNA position 91, G replaced by T.
Protein change: p.Glu31Ter; replaces glutamic acid 31 with a stop codon.
Molecular consequence: nonsense.
Genome position (GRCh38, 1-based): chr7:93,135,881, C>A on the plus strand (G>T on the coding strand, the complement: SAMD9L is on the minus strand). VCF-style: chr7-93135881-C-A. GRCh37 (hg19) VCF-style: chr7-92765194-C-A.
Other names: c.91G>T, p.Glu31Ter (NM_001303496.3, NM_001303497.3, NM_001303498.3 and 5 more transcripts); short protein forms E31*.
Identifiers: ClinVar variation 4806405 (VCV004806405.1).